The following is an entry in ClinVar:

NM_002047.4(GARS1):c.918G>C (p.Leu306Phe)

Gene: GARS1 (glycyl-tRNA synthetase 1; plus strand). Cytogenetic location: 7p14.3.
Variant type: single nucleotide variant.
Coding change: c.918G>C on transcript NM_002047.4 (MANE Select); coding-DNA position 918, G replaced by C.
Protein change: p.Leu306Phe; replaces leucine 306 with phenylalanine.
Molecular consequence: missense variant.
Genome position (GRCh38, 1-based): chr7:30,612,132, G>C. VCF-style: chr7-30612132-G-C. GRCh37 (hg19) VCF-style: chr7-30651748-G-C.
Other names: p.Leu306Phe; c.756G>C, p.Leu252Phe (NM_001316772.1); short protein forms L252F, L306F.
Identifiers: ClinVar variation 3379745 (VCV003379745.1).
Genomic context (GRCh38, chr7:30,612,132, plus strand): 5'-AGACTGACTTACTTAAATTTATAGGTACTTGAGACCAGAAACTGCACAGGGGATTTTCTT[G>C]AATTTCAAACGACTTTTGGAGTTCAACCAAGGAAAGTTGCCTTTTGCTGCTGCCCAGATT-3'
Protein context (NP_002038.2, residues 296-316): LRPETAQGIF[Leu306Phe]NFKRLLEFNQ

ClinVar aggregate classification (germline): Uncertain significance (1 of 4 stars; one submission).

Submission:

Mayo Clinic Laboratories, Mayo Clinic
Classification: Uncertain significance. Last evaluated: 2024-05-01. Review status: criteria provided, single submitter. Criteria: ACMG Guidelines, 2015. Collection method: clinical testing. Allele origin: germline. Observed: 1 variant allele.
Comment: PM2_moderate